The following is an entry in ClinVar:

ClinVar aggregate classification (germline): Uncertain significance (1 of 4 stars; one submission).

Conditions:
STAT3 gain of function. Identifiers: MedGen C4288261.
Hyper-IgE recurrent infection syndrome 1, autosomal dominant. Also called: JOB SYNDROME; Job's Syndrome; STAT3 Hyper IgE Syndrome; Hyper-IgE recurrent infection syndrome 1; HYPER-IgE SYNDROME 1, AUTOSOMAL DOMINANT, WITH RECURRENT INFECTIONS. Identifiers: Orphanet 2314, MedGen C2936739, MONDO:0007818, OMIM 147060.

Submission:

Labcorp Genetics (formerly Invitae), Labcorp
Classification: Uncertain significance for STAT3 gain of function; Hyper-IgE recurrent infection syndrome 1, autosomal dominant. Last evaluated: 2024-11-04. Review status: criteria provided, single submitter. Criteria: Invitae Variant Classification Sherloc (09022015). Collection method: clinical testing. Allele origin: germline.
Comment: This sequence change creates a premature translational stop signal (p.Lys409*) in the STAT3 gene. It is expected to result in an absent or disrupted protein product. However, the current clinical and genetic evidence is not sufficient to establish whether loss-of-function variants in STAT3 cause disease. This variant is not present in population databases (gnomAD no frequency). This variant has not been reported in the literature in individuals affected with STAT3-related conditions. ClinVar contains an entry for this variant (Variation ID: 2121657). Algorithms developed to predict the effect of sequence changes on RNA splicing suggest that this variant may disrupt the consensus splice site. In summary, the available evidence is currently insufficient to determine the role of this variant in disease. Therefore, it has been classified as a Variant of Uncertain Significance.

NM_139276.3(STAT3):c.1225A>T (p.Lys409Ter)

Gene: STAT3 (signal transducer and activator of transcription 3; minus strand). Cytogenetic location: 17q21.2.
Variant type: single nucleotide variant.
Coding change: c.1225A>T on transcript NM_139276.3 (MANE Select); coding-DNA position 1225, A replaced by T.
Protein change: p.Lys409Ter; replaces lysine 409 with a stop codon.
Molecular consequence: nonsense.
Genome position (GRCh38, 1-based): chr17:42,329,562, T>A on the plus strand (A>T on the coding strand, the complement: STAT3 is on the minus strand). VCF-style: chr17-42329562-T-A. GRCh37 (hg19) VCF-style: chr17-40481580-T-A.
Other names: c.1225A>T, p.Lys409Ter (NM_001369512.1, NM_001369513.1, NM_001369514.1 and 12 more transcripts); c.1147A>T, p.Lys383Ter (NM_001384985.1); c.1240A>T, p.Lys414Ter (NM_001384986.1, NM_001384990.1); c.1129A>T, p.Lys377Ter (NM_001384989.1); c.1165A>T, p.Lys389Ter (NM_001384992.1); short protein forms K377*, K389*, K409*, K383*, K414*.
Identifiers: ClinVar variation 2121657 (VCV002121657.4), dbSNP rs2144772188, ClinGen allele CA399588609.